The following is an entry in ClinVar:

NM_001312673.2(PCYT1A):c.13T>C (p.Cys5Arg)

Gene: PCYT1A (phosphate cytidylyltransferase 1A, choline; minus strand). Cytogenetic location: 3q29.
Variant type: single nucleotide variant.
Coding change: c.13T>C on transcript NM_001312673.2 (MANE Select); coding-DNA position 13, T replaced by C.
Protein change: p.Cys5Arg; replaces cysteine 5 with arginine.
Molecular consequence: missense variant.
Genome position (GRCh38, 1-based): chr3:196,270,519, A>G on the plus strand (T>C on the coding strand, the complement: PCYT1A is on the minus strand). VCF-style: chr3-196270519-A-G. GRCh37 (hg19) VCF-style: chr3-195997390-A-G.
Other names: c.13T>C (NM_005017.2); c.13T>C, p.Cys5Arg (NM_005017.4); short protein forms C5R.
Identifiers: ClinVar variation 1017054 (VCV001017054.5), dbSNP rs149559427, ClinGen allele CA2779672.

ClinVar aggregate classification (germline): Uncertain significance. Review status: criteria provided, multiple submitters, no conflicts (2 of 4 stars). 2 submissions from 2 submitters: Uncertain significance (2). Last evaluated 2025-10-01.

Conditions:
Inborn genetic diseases. Identifiers: MedGen C0950123, MeSH D030342.

Allele frequency attached by ClinVar (database versions not stated): gnomAD 0.00005; gnomAD exomes 0.00008 and 0.00022; ExAC 0.00011; TOPMed 0.00012.
gnomAD v4.1: 325 of 1,613,138 alleles (0.02%); highest among the groups gnomAD compares: Non-Finnish European, 0.026%; no homozygotes.

Submissions (2):

Labcorp Genetics (formerly Invitae), Labcorp
Classification: Uncertain significance. Last evaluated: 2025-10-01. Review status: criteria provided, single submitter. Criteria: Invitae Variant Classification Sherloc (09022015). Collection method: clinical testing. Allele origin: germline.
Comment: This sequence change replaces cysteine, which is neutral and slightly polar, with arginine, which is basic and polar, at codon 5 of the PCYT1A protein (p.Cys5Arg). This variant is present in population databases (rs149559427, gnomAD 0.02%). This variant has not been reported in the literature in individuals affected with PCYT1A-related conditions. ClinVar contains an entry for this variant (Variation ID: 1017054). Invitae Evidence Modeling of protein sequence and biophysical properties (such as structural, functional, and spatial information, amino acid conservation, physicochemical variation, residue mobility, and thermodynamic stability) indicates that this missense variant is not expected to disrupt PCYT1A protein function with a negative predictive value of 95%. In summary, the available evidence is currently insufficient to determine the role of this variant in disease. Therefore, it has been classified as a Variant of Uncertain Significance.

Ambry Genetics
Classification: Uncertain significance for Inborn genetic diseases. Last evaluated: 2023-05-23. Review status: criteria provided, single submitter. Criteria: Ambry Variant Classification Scheme 2023. Collection method: clinical testing. Allele origin: germline.